The following is an entry in ClinVar:

NM_015512.5(DNAH1):c.6343G>A (p.Val2115Met)

Gene: DNAH1 (dynein axonemal heavy chain 1; plus strand). Cytogenetic location: 3p21.1.
Variant type: single nucleotide variant.
Coding change: c.6343G>A on transcript NM_015512.5 (MANE Select); coding-DNA position 6343, G replaced by A.
Protein change: p.Val2115Met; replaces valine 2115 with methionine.
Molecular consequence: missense variant.
Genome position (GRCh38, 1-based): chr3:52,370,561, G>A. VCF-style: chr3-52370561-G-A. GRCh37 (hg19) VCF-style: chr3-52404577-G-A.
Other names: short protein forms V2115M.
Identifiers: ClinVar variation 954412 (VCV000954412.6), dbSNP rs559404563, ClinGen allele CA2434496.

ClinVar aggregate classification (germline): Uncertain significance. Review status: criteria provided, multiple submitters, no conflicts (2 of 4 stars). 2 submissions from 2 submitters: Uncertain significance (2). Last evaluated 2023-03-20.

Conditions:
DNAH1-related disorder. Also called: DNAH1-related condition.
Spermatogenic failure 18. Identifiers: MedGen C4539783, MONDO:0054615, OMIM 617576.
Ciliary dyskinesia, primary, 37 (CILD37). Also called: CILIARY DYSKINESIA, PRIMARY, 37, WITH OR WITHOUT SITUS INVERSUS. Identifiers: MedGen C4539798, MONDO:0033204, OMIM 617577.

Allele frequency attached by ClinVar (database versions not stated): gnomAD exomes 0.00003 and 0.00004; ExAC 0.00005; gnomAD 0.00007 and 0.00010; TOPMed 0.00009; 1000 Genomes Project 30x 0.00016; 1000 Genomes Project 0.00020.
gnomAD v4.1: 63 of 1,613,846 alleles (0.0039%); highest among the groups gnomAD compares: African/African-American, 0.019%; no homozygotes.

Submissions (2):

PreventionGenetics, part of Exact Sciences
Classification: Uncertain significance for DNAH1-related condition. Last evaluated: 2023-03-20. Review status: criteria provided, single submitter. Criteria: ACMG Guidelines, 2015. Collection method: clinical testing. Allele origin: germline.
Comment: The DNAH1 c.6343G>A variant is predicted to result in the amino acid substitution p.Val2115Met. To our knowledge, this variant has not been reported in the literature. This variant is reported in 0.029% of alleles in individuals of African descent in gnomAD. At this time, the clinical significance of this variant is uncertain due to the absence of conclusive functional and genetic evidence.

Labcorp Genetics (formerly Invitae), Labcorp
Classification: Uncertain significance for Ciliary dyskinesia, primary, 37; Spermatogenic failure 18. Last evaluated: 2022-07-19. Review status: criteria provided, single submitter. Criteria: Invitae Variant Classification Sherloc (09022015). Collection method: clinical testing. Allele origin: germline.
Comment: In summary, the available evidence is currently insufficient to determine the role of this variant in disease. Therefore, it has been classified as a Variant of Uncertain Significance. Algorithms developed to predict the effect of missense changes on protein structure and function are either unavailable or do not agree on the potential impact of this missense change (SIFT: "Deleterious"; PolyPhen-2: "Benign"; Align-GVGD: "Class C15"). ClinVar contains an entry for this variant (Variation ID: 954412). This variant has not been reported in the literature in individuals affected with DNAH1-related conditions. This variant is present in population databases (rs559404563, gnomAD 0.03%). This sequence change replaces valine, which is neutral and non-polar, with methionine, which is neutral and non-polar, at codon 2115 of the DNAH1 protein (p.Val2115Met).